The following is an entry in ClinVar:

ClinVar aggregate classification (germline): Pathogenic (1 of 4 stars; one submission).

Conditions:
Abetalipoproteinaemia (ABL). Also called: MTP DEFICIENCY; Abetalipoproteinemia; Abetalipoproteinemia neuropathy; Apolipoprotein B deficiency; Congenital betalipoprotein deficiency syndrome. Identifiers: Orphanet 14, MedGen C0000744, MONDO:0008692, OMIM 200100, HP:0008181.

Submission:

Myriad Genetics, Inc.
Classification: Pathogenic for Abetalipoproteinaemia. Last evaluated: 2023-08-28. Review status: criteria provided, single submitter. Criteria: Myriad Autosomal Dominant, Autosomal Recessive and X-Linked Classification Criteria (2023). Collection method: clinical testing. Allele origin: unknown.
Comment: NM_000253.2(MTTP):c.791_792delGC(G264Afs*17) is expected to be pathogenic in the context of abetalipoproteinemia. This variant is predicted to lead to an abnormal or absent protein product due to the creation of a premature termination codon in MTTP, a gene where loss-of-function variants are known to be pathogenic. Please note: this variant was assessed in the context of healthy population screening.

NM_001386140.1(MTTP):c.791_792del (p.Gly264fs)

Gene: MTTP (microsomal triglyceride transfer protein; plus strand). Cytogenetic location: 4q23.
Variant type: Deletion.
Coding change: c.791_792del on transcript NM_001386140.1 (MANE Select); coding-DNA positions 791 to 792, 2 bases deleted (GC; older notation c.791_792delGC).
Protein change: p.Gly264fs; shifts the reading frame from glycine 264.
Molecular consequence: frameshift variant.
Genome position (GRCh38, 1-based): chr4:99,594,765-99,594,766, GC deleted. VCF-style (leftmost placement, unchanged base first): chr4-99594764-GGC-G. GRCh37 (hg19) VCF-style: chr4-100515921-GGC-G.
Other names: c.791_792del, p.Gly264fs (NM_000253.4); c.542_543del, p.Gly181fs (NM_001300785.2); short protein forms G181fs, G264fs.
Identifiers: ClinVar variation 5011484 (VCV005011484.1).